The following is an entry in ClinVar:

NM_001004356.3(FGFRL1):c.291C>T (p.Tyr97=)

Gene: FGFRL1 (fibroblast growth factor receptor like 1; plus strand). Cytogenetic location: 4p16.3.
Variant type: single nucleotide variant.
Coding change: c.291C>T on transcript NM_001004356.3 (MANE Select); coding-DNA position 291, C replaced by T.
Protein change: p.Tyr97=; no amino-acid change (tyrosine 97 retained).
Molecular consequence: synonymous variant.
Genome position (GRCh38, 1-based): chr4:1,022,414, C>T. VCF-style: chr4-1022414-C-T. GRCh37 (hg19) VCF-style: chr4-1016202-C-T.
Other names: c.291C>T, p.Tyr97= (NM_001004358.1, NM_001370296.1, NM_021923.3).
Identifiers: ClinVar variation 739396 (VCV000739396.11), dbSNP rs113418020, ClinGen allele CA2802633.

ClinVar aggregate classification (germline): Likely benign. Review status: criteria provided, single submitter (1 of 4 stars). 2 submissions from 2 submitters: Likely benign (1). 1 of the submissions does not count toward it. Last evaluated 2025-10-05.

Conditions:
FGFRL1-related disorder. Also called: FGFRL1-related condition.

Allele frequency attached by ClinVar (database versions not stated): gnomAD 0.00011 and 0.00012; TOPMed 0.00015; 1000 Genomes Project 30x 0.00016; 1000 Genomes Project 0.00020; gnomAD exomes 0.00023; ExAC 0.00031; ESP Exome Variant Server 0.00031.
gnomAD v4.1: 358 of 1,611,690 alleles (0.022%); highest among the groups gnomAD compares: Middle Eastern, 0.083%; no homozygotes.

Submissions (2):

Labcorp Genetics (formerly Invitae), Labcorp
Classification: Likely benign. Last evaluated: 2025-10-05. Review status: criteria provided, single submitter. Criteria: Invitae Variant Classification Sherloc (09022015). Collection method: clinical testing. Allele origin: germline.

PreventionGenetics, part of Exact Sciences
Classification: Likely benign for FGFRL1-related condition. Last evaluated: 2019-05-14. Review status: no assertion criteria provided. Collection method: clinical testing. Allele origin: germline. Not counted in ClinVar's aggregate classification.
Comment: This variant is classified as likely benign based on ACMG/AMP sequence variant interpretation guidelines (Richards et al. 2015 PMID: 25741868, with internal and published modifications).